The following is an entry in ClinVar:

NM_012309.5(SHANK2):c.1911T>G (p.Phe637Leu)

Gene: SHANK2 (SH3 and multiple ankyrin repeat domains 2; minus strand). Cytogenetic location: 11q13.4.
Variant type: single nucleotide variant.
Coding change: c.1911T>G on transcript NM_012309.5 (MANE Select); coding-DNA position 1911, T replaced by G.
Protein change: p.Phe637Leu; replaces phenylalanine 637 with leucine.
Molecular consequence: missense variant. On other transcripts: non-coding transcript variant (1).
Genome position (GRCh38, 1-based): chr11:70,661,621, A>C on the plus strand (T>G on the coding strand, the complement: SHANK2 is on the minus strand). VCF-style: chr11-70661621-A-C. GRCh37 (hg19) VCF-style: chr11-70507726-A-C.
Other names: c.774T>G, p.Phe258Leu (NM_001379226.1); c.147T>G, p.Phe49Leu (NM_133266.5); short protein forms F258L, F49L, F637L.
Identifiers: ClinVar variation 3361836 (VCV003361836.1).

ClinVar aggregate classification (germline): Uncertain significance (1 of 4 stars; one submission).

Submission:

GeneDx
Classification: Uncertain significance. Last evaluated: 2023-07-27. Review status: criteria provided, single submitter. Criteria: GeneDx Variant Classification Process June 2021. Collection method: clinical testing. Allele origin: germline. Affected: yes.
Comment: Not observed at significant frequency in large population cohorts (gnomAD); In silico analysis supports that this missense variant has a deleterious effect on protein structure/function; Has not been previously published as pathogenic or benign to our knowledge